The following is an entry in ClinVar:

NM_024675.4(PALB2):c.1861C>A (p.Pro621Thr)

Gene: PALB2 (partner and localizer of BRCA2; minus strand). Cytogenetic location: 16p12.2.
Variant type: single nucleotide variant.
Coding change: c.1861C>A on transcript NM_024675.4 (MANE Select); coding-DNA position 1861, C replaced by A.
Protein change: p.Pro621Thr; replaces proline 621 with threonine.
Molecular consequence: missense variant.
Genome position (GRCh38, 1-based): chr16:23,630,293, G>T on the plus strand (C>A on the coding strand, the complement: PALB2 is on the minus strand). VCF-style: chr16-23630293-G-T. GRCh37 (hg19) VCF-style: chr16-23641614-G-T.
Other names: short protein forms P621T.
Identifiers: ClinVar variation 245656 (VCV000245656.39), dbSNP rs756116550, ClinGen allele CA7963654.

ClinVar aggregate classification (germline): Conflicting classifications of pathogenicity. Review status: criteria provided, conflicting classifications (1 of 4 stars). 11 submissions from 11 submitters: Uncertain significance (7); Likely benign (4). Last evaluated 2026-01-13.

Conditions:
Breast-ovarian cancer, familial, susceptibility to, 5 (BROVCA5). Identifiers: MedGen C5830615, MONDO:0957530, OMIM 620442.
Familial cancer of breast. Also called: Hereditary breast cancer; BREAST CANCER, FAMILIAL; hereditary breast carcinoma. Identifiers: Orphanet 227535, MedGen C0346153, MONDO:0016419, OMIM 114480. Disease mechanism: loss of function.
Hereditary cancer-predisposing syndrome. Also called: Hereditary neoplastic syndrome; Neoplastic Syndromes, Hereditary; Hereditary Cancer Syndrome; Tumor predisposition. Identifiers: Orphanet 140162, MedGen C0027672, MeSH D009386, MONDO:0015356.

Allele frequency attached by ClinVar (database versions not stated): gnomAD exomes 0.00001 and 0.00004; ExAC 0.00002; TOPMed 0.00001.
gnomAD v4.1: 15 of 1,614,098 alleles (0.00093%); highest among the groups gnomAD compares: Admixed American, 0.015%; no homozygotes.

Submissions (11):

Labcorp Genetics (formerly Invitae), Labcorp
Classification: Likely benign for Familial cancer of breast. Last evaluated: 2026-01-13. Review status: criteria provided, single submitter. Criteria: Invitae Variant Classification Sherloc (09022015). Collection method: clinical testing. Allele origin: germline.

Women's Health and Genetics/Laboratory Corporation of America, LabCorp
Classification: Uncertain significance. Last evaluated: 2025-11-05. Review status: criteria provided, single submitter. Criteria: LabCorp Variant Classification Summary - May 2015. Collection method: clinical testing. Allele origin: germline.
Comment: Variant summary: PALB2 c.1861C>A (p.Pro621Thr) results in a non-conservative amino acid change in the encoded protein sequence. Algorithms developed to predict the effect of missense changes on protein structure and function are either unavailable or do not agree on the potential impact of this missense change. The variant allele was found at a frequency of 4e-05 in 251338 control chromosomes, predominantly at a frequency of 0.00023 within the Latino subpopulation in the gnomAD database. The available data on variant occurrences in the general population are insufficient to allow any conclusion about variant significance. c.1861C>A has been reported in the literature in at least one individual affected with Breast Cancer (example: Leyton_2015), but has also been reported in healthy controls (example: Weitzel_2019; PMID: 33471991, LOVD). These reports do not provide unequivocal conclusions about association of the variant with Breast Cancer. A co-occurrence with a pathogenic variant has been reported via internal testing (ATM c.4236+1G>T). Experimental evidence demonstrated the variant increased the binding affinity of the protein to MRG15 (Morf-related gene on chromosome 15), which is part of many transcription complexes (example: Redington_2021). The following publications have been ascertained in the context of this evaluation (PMID: 31206626, 25636233, 34946951). ClinVar contains an entry for this variant (Variation ID: 245656). Based on the evidence outlined above, the variant was classified as uncertain significance.

Quest Diagnostics Nichols Institute San Juan Capistrano
Classification: Uncertain significance. Last evaluated: 2025-10-20. Review status: criteria provided, single submitter. Criteria: Quest Diagnostics criteria. Collection method: clinical testing. Allele origin: unknown.
Comment: The PALB2 c.1861C>A (p.Pro621Thr) variant has been reported in the published literature in individuals with breast cancer (PMID: 25636233 (2015), 34946951 (2021)), and in reportedly unaffected individuals (PMID: 31206626 (2019) and 33471991 (2021), see LOVD). A functional study found that this variant increased binding affinity to the MRG15 protein (PMID: 34946951 (2021)). The frequency of this variant in the general population (Genome Aggregation Database) is uninformative in the assessment of its pathogenicity. Analysis of this variant using bioinformatics tools for the prediction of the effect of amino acid changes on protein structure and function yielded predictions that this variant is benign. Based on the available information, we are unable to determine the clinical significance of this variant.

Dasa
Classification: Likely benign for Breast-ovarian cancer, familial, susceptibility to, 5. Last evaluated: 2025-05-18. Review status: criteria provided, single submitter. Criteria: DASA Assertion Criteria. Collection method: clinical testing. Allele origin: germline.
Comment: NM_024675.4(PALB2):c.1861C>A (p.Pro621Thr) is a missense variant that results in the substitution of proline with threonine. This variant has been recurrently observed in individuals with Breast-ovarian cancer, familial, susceptibility to, 5 (PMID: 25636233; PMID: 34946951; PMID: 31206626; PMID: 31658756). Multiple computational predictions suggest no deleterious effect on the gene or gene product. Based on the available data, this variant is classified as likely benign.

Center for Genomic Medicine, Rigshospitalet, Copenhagen University Hospital
Classification: Uncertain significance. Last evaluated: 2025-03-04. Review status: criteria provided, single submitter. Criteria: ACMG Guidelines, 2015. Collection method: clinical testing. Allele origin: germline.

Myriad Genetics, Inc.
Classification: Likely benign for Familial cancer of breast. Last evaluated: 2025-01-14. Review status: criteria provided, single submitter. Criteria: Myriad Autosomal Dominant, Autosomal Recessive and X-Linked Classification Criteria (2023). Collection method: clinical testing. Allele origin: unknown.
Comment: This variant is considered likely benign. This variant is strongly associated with less severe personal and family histories of cancer, typical for individuals without pathogenic variants in this gene [PMID: 25085752].

Color Diagnostics, LLC DBA Color Health
Classification: Uncertain significance for Hereditary cancer-predisposing syndrome. Last evaluated: 2024-06-17. Review status: criteria provided, single submitter. Criteria: ACMG Guidelines, 2015. Collection method: clinical testing. Allele origin: germline.
Comment: This missense variant replaces proline with threonine at codon 621 of the PALB2 protein. Computational prediction suggests that this variant may not impact protein structure and function. Functional studies have been reported this variant had increased the binding affinity to the protein to MRG1 (PMID: 34946951). This variant has been reported in one individual affected with breast cancer in the literature (PMID: 25636233) and it also has been detected in two breast cancer case-control studies where it was found in an unaffected individual and absent in breast cancer cases, including in a large breast cancer case-control meta-analysis in 0/60466 cases and 1/53461 unaffected individuals (PMID: 31206626, 33471991; Leiden Open Variation Database DB-ID PALB2_010968). This variant has been identified in 10/251338 chromosomes in the general population by the Genome Aggregation Database (gnomAD). The available evidence is insufficient to determine the role of this variant in disease conclusively. Therefore, this variant is classified as a Variant of Uncertain Significance.

GeneDx
Classification: Uncertain significance. Last evaluated: 2023-10-10. Review status: criteria provided, single submitter. Criteria: GeneDx Variant Classification Process June 2021. Collection method: clinical testing. Allele origin: germline. Affected: yes.
Comment: In silico analysis supports that this missense variant does not alter protein structure/function; This variant is associated with the following publications: (PMID: 27842325, 25636233, 22941656, 34946951, 31658756)

Ambry Genetics
Classification: Likely benign for Hereditary cancer-predisposing syndrome. Last evaluated: 2022-09-24. Review status: criteria provided, single submitter. Criteria: Ambry Variant Classification Scheme 2023. Collection method: clinical testing. Allele origin: germline.

Sema4
Classification: Uncertain significance for Hereditary cancer-predisposing syndrome. Last evaluated: 2021-10-01. Review status: criteria provided, single submitter. Criteria: Sema4 Curation Guidelines. Collection method: curation. Allele origin: germline.
Comment: The PALB2 c.1861C>A (p.P621T) missense variant has been reported in at least one individual with familial breast cancer (PMID: 25636233). This variant was observed in 8/34592 chromosomes in the Latino/Admixed American population according to the Genome Aggregation Database (PMID: 32461654). This variant has been reported in ClinVar (Variation ID 245656). In silico tools suggest the impact of the variant on protein function is benign, though these predictions have not been confirmed by functional studies. The overall evidence is insufficient to meet ACMG/AMP criteria for classifying it as benign or pathogenic. In summary, the clinical significance of this variant is currently uncertain.

Mendelics
Classification: Uncertain significance for Familial cancer of breast. Last evaluated: 2019-05-28. Review status: criteria provided, single submitter. Criteria: Mendelics Assertion Criteria 2017. Collection method: clinical testing. Allele origin: unknown.

Literature cited by the submitters: PubMed 31206626 (cited by 4 submitters); PubMed 25636233 (cited by 7 submitters); PubMed 31658756 (cited by 3 submitters); PubMed 34946951 (cited by 4 submitters); PubMed 33471991 (cited by Quest Diagnostics Nichols Institute San Juan Capistrano and Color Diagnostics, LLC DBA Color Health); PubMed 25085752 (cited by Myriad Genetics, Inc.).